The following is an entry in ClinVar:

ClinVar aggregate classification (germline): Uncertain significance (1 of 4 stars; one submission).

Conditions:
Succinate-semialdehyde dehydrogenase deficiency (SSADHD). Also called: Succinic Semialdehyde Dehydrogenase Deficiency; SSADH DEFICIENCY; 4-HYDROXYBUTYRIC ACIDURIA; GABA METABOLIC DEFECT. Identifiers: Orphanet 22, MedGen C0268631, MONDO:0010083, OMIM 271980.

Allele frequency attached by ClinVar (database versions not stated): gnomAD exomes 0.00001; gnomAD 0.00002; TOPMed 0.00002.
gnomAD v4.1: 6 of 1,528,822 alleles (0.00039%); highest among the groups gnomAD compares: African/African-American, 0.0014%; no homozygotes.

Submission:

Labcorp Genetics (formerly Invitae), Labcorp
Classification: Uncertain significance for Succinate-semialdehyde dehydrogenase deficiency. Last evaluated: 2024-05-13. Review status: criteria provided, single submitter. Criteria: Invitae Variant Classification Sherloc (09022015). Collection method: clinical testing. Allele origin: germline.
Comment: This sequence change replaces alanine, which is neutral and non-polar, with proline, which is neutral and non-polar, at codon 86 of the ALDH5A1 protein (p.Ala86Pro). This variant is present in population databases (no rsID available, gnomAD 0.002%). This variant has not been reported in the literature in individuals affected with ALDH5A1-related conditions. ClinVar contains an entry for this variant (Variation ID: 1007428). Advanced modeling of protein sequence and biophysical properties (such as structural, functional, and spatial information, amino acid conservation, physicochemical variation, residue mobility, and thermodynamic stability) has been performed at Invitae for this missense variant, however the output from this modeling did not meet the statistical confidence thresholds required to predict the impact of this variant on ALDH5A1 protein function. In summary, the available evidence is currently insufficient to determine the role of this variant in disease. Therefore, it has been classified as a Variant of Uncertain Significance.

NM_001080.3(ALDH5A1):c.256G>C (p.Ala86Pro)

Genes: ALDH5A1 (aldehyde dehydrogenase 5 family member A1; plus strand), GPLD1 (glycosylphosphatidylinositol specific phospholipase D1; minus strand), LOC129995978 (ATAC-STARR-seq lymphoblastoid silent region 16989; plus strand). Cytogenetic location: 6p22.3.
Variant type: single nucleotide variant.
Coding change: c.256G>C on transcript NM_001080.3 (MANE Select); coding-DNA position 256, G replaced by C.
Protein change: p.Ala86Pro; replaces alanine 86 with proline.
Molecular consequence: missense variant.
Genome position (GRCh38, 1-based): chr6:24,495,252, G>C. VCF-style: chr6-24495252-G-C. GRCh37 (hg19) VCF-style: chr6-24495480-G-C.
Other names: c.256G>C, p.Ala86Pro (NM_001368954.1, NM_170740.1); short protein forms A86P.
Identifiers: ClinVar variation 1007428 (VCV001007428.9), dbSNP rs1371742454, ClinGen allele CA362968542.